The following is an entry in ClinVar:

NM_000360.4(TH):c.571dup (p.His191fs)

Gene: TH (tyrosine hydroxylase; minus strand). Cytogenetic location: 11p15.5.
Variant type: Duplication.
Coding change: c.571dup on transcript NM_000360.4 (MANE Select); coding-DNA position 571, one base duplicated (C; older notation c.571dupC).
Protein change: p.His191fs; shifts the reading frame from histidine 191.
Molecular consequence: frameshift variant.
Genome position (GRCh38, 1-based): chr11:2,168,096, G duplicated on the plus strand (C on the coding strand, the reverse complement: TH is on the minus strand); the first of 2 consecutive G bases (chr11:2,168,096-2,168,097); duplicating either gives the same sequence. VCF-style (leftmost placement, unchanged base first): chr11-2168095-T-TG. GRCh37 (hg19) VCF-style: chr11-2189325-T-TG.
Other names: c.583dup, p.His195fs (NM_001440535.1, NM_001440536.1); c.571dup, p.His191fs (NM_001440537.1); c.664dup, p.His222fs (NM_199292.3); c.652dup, p.His218fs (NM_199293.3); short protein forms H191fs, H195fs, H218fs, H222fs.
Identifiers: ClinVar variation 5012318 (VCV005012318.1).

ClinVar aggregate classification (germline): Pathogenic (1 of 4 stars; one submission).

Conditions:
TH-deficient dopa-responsive dystonia. Also called: Segawa syndrome, autosomal recessive; Tyrosine Hydroxylase-Deficient Dopa-Responsive Dystonia; DYT-TH. Identifiers: Orphanet 101150, MedGen C2673535, MONDO:0011551, OMIM 605407.

Submission:

Myriad Genetics, Inc.
Classification: Pathogenic for TH-deficient dopa-responsive dystonia. Last evaluated: 2023-09-27. Review status: criteria provided, single submitter. Criteria: Myriad Autosomal Dominant, Autosomal Recessive and X-Linked Classification Criteria (2023). Collection method: clinical testing. Allele origin: unknown.
Comment: NM_199292.2(TH):c.664dupC(H222Pfs*18) is expected to be pathogenic in the context of tyrosine hydroxylase deficiency. This variant is predicted to lead to an abnormal or absent protein product due to the creation of a premature termination codon in TH, a gene where loss-of-function variants are known to be pathogenic. Please note: this variant was assessed in the context of healthy population screening.